The following is an entry in ClinVar:

ClinVar aggregate classification (germline): Likely benign. Review status: criteria provided, multiple submitters, no conflicts (2 of 4 stars). 3 submissions from 3 submitters: Likely benign (2). 1 of the submissions does not count toward it. Last evaluated 2025-08-01.

Conditions:
TBCD-related disorder. Also called: TBCD-related condition.

Allele frequency attached by ClinVar (database versions not stated): TOPMed 0.00006; gnomAD 0.00009; ExAC 0.00011; 1000 Genomes Project 0.00020; gnomAD exomes 0.00021; 1000 Genomes Project 30x 0.00031; ESP Exome Variant Server 0.00031.
gnomAD v4.1: 337 of 1,611,624 alleles (0.021%); highest among the groups gnomAD compares: Non-Finnish European, 0.026%; no homozygotes.

Submissions (3):

CeGaT Center for Human Genetics Tuebingen
Classification: Likely benign. Last evaluated: 2025-08-01. Review status: criteria provided, single submitter. Criteria: CeGaT Center For Human Genetics Tuebingen Variant Classification Criteria Version 2. Collection method: clinical testing. Allele origin: germline. Affected: yes. Observed: 1 variant allele.
Comment: TBCD: BP4, BP7

Labcorp Genetics (formerly Invitae), Labcorp
Classification: Likely benign. Last evaluated: 2024-03-19. Review status: criteria provided, single submitter. Criteria: Invitae Variant Classification Sherloc (09022015). Collection method: clinical testing. Allele origin: germline.

PreventionGenetics, part of Exact Sciences
Classification: Likely benign for TBCD-related condition. Last evaluated: 2019-07-24. Review status: no assertion criteria provided. Collection method: clinical testing. Allele origin: germline. Not counted in ClinVar's aggregate classification.
Comment: This variant is classified as likely benign based on ACMG/AMP sequence variant interpretation guidelines (Richards et al. 2015 PMID: 25741868, with internal and published modifications).

NM_005993.5(TBCD):c.2940C>T (p.Tyr980=)

Gene: TBCD (tubulin folding cofactor D). Cytogenetic location: 17q25.3.
Variant type: single nucleotide variant.
Coding change: c.2940C>T on transcript NM_005993.5 (MANE Select); coding-DNA position 2940, C replaced by T.
Protein change: p.Tyr980=; no amino-acid change (tyrosine 980 retained).
Molecular consequence: synonymous variant.
Genome position (GRCh38, 1-based): chr17:82,929,449, C>T. VCF-style: chr17-82929449-C-T. GRCh37 (hg19) VCF-style: chr17-80887325-C-T.
Other names: c.2940C>T (NM_005993.4); c.2889C>T, p.Tyr963= (NM_001411101.1); c.2859C>T, p.Tyr953= (NM_001411102.1).
Identifiers: ClinVar variation 2753198 (VCV002753198.13), dbSNP rs199642032, ClinGen allele CA8863304.
Genomic context (GRCh38, chr17:82,929,449, plus strand): 5'-TGCACCTTCCCAGGCCTTCCCACGCATCACCCAGCTCCTTGGGCTGCCCACCTACCGCTA[C>T]CACGTCCTGCTGGGGCTAGTCGTGTCCCTGGGCGGCTTGACGGAGTCGACGGTGAGGAGG-3'
Protein context (NP_005984.3, residues 970-990): TQLLGLPTYR[Tyr980=]HVLLGLVVSL